The following is an entry in ClinVar:

ClinVar aggregate classification (germline): Uncertain significance (1 of 4 stars; one submission).

Submission:

Laboratory for Molecular Medicine, Mass General Brigham Personalized Medicine
Classification: Uncertain significance. Last evaluated: 2016-09-06. Review status: criteria provided, single submitter. Criteria: LMM Criteria. Collection method: clinical testing. Allele origin: germline. Observed: 1 variant allele.
Comment: Variant classified as Uncertain Significance - Favor Benign. The m.1183T>C varia nt in MT-RNR1 has not been previously reported in individuals with hearing loss, but has been identified in 0.1% (1/698) of human mitochondrial DNA sequences of the haplogroup L2a, which is of African origin. Howeve r, this frequency is not high enough to rule out a pathogenic role. The thymine (T) nucleotide at position m.1183 is conserved in mammals, but is not conserved in birds or fish, suggesting that a change at this position may be tolerated. Ho wever, this information is not predictive enough to rule out pathogenicity. In s ummary, while the clinical significance of the m.1183T>C variant is uncertain.

NC_012920.1(MT-RNR1):m.1183T>C

Gene: MT-RNR1 (mitochondrially encoded 12S RNA; plus strand).
Variant type: single nucleotide variant.
Genome position: chrM-1183-T-C.
Identifiers: ClinVar variation 505289 (VCV000505289.4), dbSNP rs1556422511, ClinGen allele CA658799932.